The following is an entry in ClinVar:

ClinVar aggregate classification (germline): Uncertain significance (1 of 4 stars; one submission).

Submission:

CeGaT Center for Human Genetics Tuebingen
Classification: Uncertain significance. Last evaluated: 2023-04-01. Review status: criteria provided, single submitter. Criteria: CeGaT Center For Human Genetics Tuebingen Variant Classification Criteria Version 2. Collection method: clinical testing. Allele origin: germline. Affected: yes. Observed: 1 variant allele.
Comment: RELN: PM2

NM_005045.4(RELN):c.2106G>A (p.Met702Ile)

Gene: RELN (reelin; minus strand). Cytogenetic location: 7q22.1.
Variant type: single nucleotide variant.
Coding change: c.2106G>A on transcript NM_005045.4 (MANE Select); coding-DNA position 2106, G replaced by A.
Protein change: p.Met702Ile; replaces methionine 702 with isoleucine.
Molecular consequence: missense variant.
Genome position (GRCh38, 1-based): chr7:103,636,432, C>T on the plus strand (G>A on the coding strand, the complement: RELN is on the minus strand). VCF-style: chr7-103636432-C-T. GRCh37 (hg19) VCF-style: chr7-103276879-C-T.
Other names: c.2106G>A, p.Met702Ile (NM_173054.3); short protein forms M702I.
Identifiers: ClinVar variation 2657903 (VCV002657903.24), dbSNP rs2484803018, ClinGen allele CA368762192.
Genomic context (GRCh38, chr7:103,636,432, plus strand): 5'-AGAGGAGAGCCTGGAACTGCCAAAGCTTTCAGAAATAAACATTGGGAATGTCTGGGATGC[C>T]ATCTCACAAGCTGGGCCAGAAAATCCAGGGTCACACCTGAAAGAAATATGGTGAAATTAA-3'
Protein context (NP_005036.2, residues 692-712): DPGFSGPACE[Met702Ile]ASQTFPMFIS